The following is an entry in ClinVar:

ClinVar aggregate classification (germline): Conflicting classifications of pathogenicity. Review status: criteria provided, conflicting classifications (1 of 4 stars). 12 submissions from 12 submitters: Uncertain significance (1); Benign (5); Likely benign (6). Last evaluated 2025-08-27.

Conditions:
Peutz-Jeghers syndrome (PJS). Also called: POLYPOSIS, HAMARTOMATOUS INTESTINAL; POLYPS-AND-SPOTS SYNDROME; Peutz-Jeghers polyposis; Periorificial lentiginosis syndrome. Identifiers: Orphanet 2869, MedGen C0031269, MeSH D010580, MONDO:0008280, OMIM 175200.
Hereditary cancer-predisposing syndrome. Also called: Hereditary Cancer Syndrome; Neoplastic Syndromes, Hereditary; Hereditary neoplastic syndrome; Tumor predisposition. Identifiers: Orphanet 140162, MedGen C0027672, MeSH D009386, MONDO:0015356.

Allele frequency attached by ClinVar (database versions not stated): gnomAD exomes 0.00023 and 0.00010; ExAC 0.00025; gnomAD 0.00007; TOPMed 0.00015.

Submissions (12):

Mayo Clinic Laboratories, Mayo Clinic
Classification: Likely benign. Last evaluated: 2025-08-27. Review status: criteria provided, single submitter. Criteria: ACMG Guidelines, 2015. Collection method: clinical testing. Allele origin: germline. Observed: 1 variant allele.
Comment: BS1

All of Us Research Program, National Institutes of Health
Classification: Likely benign for Peutz-Jeghers syndrome. Last evaluated: 2024-02-05. Review status: criteria provided, single submitter. Criteria: ACMG Guidelines, 2015. Collection method: clinical testing. Allele origin: germline. Inheritance: Autosomal dominant inheritance. Observed: 20 variant alleles, 20 heterozygotes.
Comment: This study involves interpretation of variants in research participants for the purpose of population health screening. Participant phenotype was not available at the time of variant classification. Additional details can be found in publication PMID: 35346344, PMCID: PMC8962531

Blueprint Genetics
Classification: Likely benign. Last evaluated: 2024-01-03. Review status: criteria provided, single submitter. Criteria: ACMG Guidelines, 2015. Collection method: clinical testing. Allele origin: germline.

Quest Diagnostics Nichols Institute San Juan Capistrano
Classification: Benign. Last evaluated: 2021-08-09. Review status: criteria provided, single submitter. Criteria: Quest Diagnostics criteria. Collection method: clinical testing. Allele origin: unknown.

Genome-Nilou Lab
Classification: Benign for Peutz-Jeghers syndrome. Last evaluated: 2021-07-15. Review status: criteria provided, single submitter. Criteria: ACMG Guidelines, 2015. Collection method: clinical testing. Allele origin: germline. Affected: no.

Ambry Genetics
Classification: Likely benign for Hereditary cancer-predisposing syndrome. Last evaluated: 2020-09-04. Review status: criteria provided, single submitter. Criteria: Ambry Variant Classification Scheme 2023. Collection method: clinical testing. Allele origin: germline.

Genetic Services Laboratory, University of Chicago
Classification: Uncertain significance. Last evaluated: 2019-07-01. Review status: criteria provided, single submitter. Criteria: ACMG Guidelines, 2015. Collection method: clinical testing. Allele origin: germline. Affected: no.

Illumina Laboratory Services, Illumina
Classification: Benign for Peutz-Jeghers syndrome. Last evaluated: 2018-01-13. Review status: criteria provided, single submitter. Criteria: ICSL Variant Classification Criteria 13 December 2019. Collection method: clinical testing. Allele origin: germline.
Comment: This variant was observed in the ICSL laboratory as part of a predisposition screen in an ostensibly healthy population. It had not been previously curated by ICSL or reported in the Human Gene Mutation Database (HGMD: prior to June 1st, 2018), and was therefore a candidate for classification through an automated scoring system. Utilizing variant allele frequency, disease prevalence and penetrance estimates, and inheritance mode, an automated score was calculated to assess if this variant is too frequent to cause the disease. Based on the score and internal cut-off values, a variant classified as benign is not then subjected to further curation. The score for this variant resulted in a classification of benign for this disease.

PreventionGenetics, part of Exact Sciences
Classification: Likely benign. Last evaluated: 2017-07-28. Review status: criteria provided, single submitter. Criteria: ACMG Guidelines, 2015. Collection method: clinical testing. Allele origin: germline.

Women's Health and Genetics/Laboratory Corporation of America, LabCorp
Classification: Benign. Last evaluated: 2016-06-27. Review status: criteria provided, single submitter. Criteria: LabCorp Variant Classification Summary - May 2015. Collection method: clinical testing. Allele origin: germline.
Comment: Variant summary: The STK11 c.-2G>T variant is located in the 5'UTR involving a conserved nucleotide with 5/5 splice prediction tools predicting no significant impact on splicing and alterations to ESE binding, although these predictions have yet to be functionally assesed. The variant of interest was observed in the large, broad control population, ExAC, with an allele frequency of 6/24392 (1/4065), predominantly in the Latino cohort, 6/916 (1/152), which significantly exceeds the estimated maximal expected allele frequency for a pathogenic STK11 variant of 1/158730. Therefore, suggesting the variant of interest is a common polymorphism found in population(s) of Latino origin. The variant of interest was has not been, to our knowledge, reported in affected individuals via publications and/or reputable databases/clinical laboratories. Therefore, taking all available lines of evidence into consideration, the variant of interest has been classified as Benign.

GeneDx
Classification: Benign. Last evaluated: 2015-06-17. Review status: criteria provided, single submitter. Criteria: GeneDx Variant Classification (06012015). Collection method: clinical testing. Allele origin: germline. Affected: yes.
Comment: This variant is considered likely benign or benign based on one or more of the following criteria: it is a conservative change, it occurs at a poorly conserved position in the protein, it is predicted to be benign by multiple in silico algorithms, and/or has population frequency not consistent with disease.

Color Diagnostics, LLC DBA Color Health
Classification: Likely benign for Hereditary cancer-predisposing syndrome. Last evaluated: 2015-04-01. Review status: criteria provided, single submitter. Criteria: ACMG Guidelines, 2015. Collection method: clinical testing. Allele origin: germline.

NM_000455.5(STK11):c.-2G>T

Gene: STK11 (serine/threonine kinase 11; plus strand). Cytogenetic location: 19p13.3.
Variant type: single nucleotide variant.
Coding change: c.-2G>T on transcript NM_000455.5 (MANE Select); 2 bases upstream of the start codon, G replaced by T.
Molecular consequence: 5 prime UTR variant. On other transcripts: non-coding transcript variant (1).
Genome position (GRCh38, 1-based): chr19:1,206,912, G>T. VCF-style: chr19-1206912-G-T. GRCh37 (hg19) VCF-style: chr19-1206911-G-T.
Other names: c.-2G>T (NM_001407255.1).
Identifiers: ClinVar variation 328228 (VCV000328228.23), dbSNP rs774072752, ClinGen allele CA046999.